The following is an entry in ClinVar:

NM_001282534.2(KCNK9):c.350G>T (p.Gly117Val)

Gene: KCNK9 (potassium two pore domain channel subfamily K member 9; minus strand). Cytogenetic location: 8q24.3.
Variant type: single nucleotide variant.
Coding change: c.350G>T on transcript NM_001282534.2 (MANE Select); coding-DNA position 350, G replaced by T.
Protein change: p.Gly117Val; replaces glycine 117 with valine.
Molecular consequence: missense variant. On other transcripts: non-coding transcript variant (1).
Genome position (GRCh38, 1-based): chr8:139,619,033, C>A on the plus strand (G>T on the coding strand, the complement: KCNK9 is on the minus strand). VCF-style: chr8-139619033-C-A. GRCh37 (hg19) VCF-style: chr8-140631276-C-A.
Other names: c.350G>T, p.Gly117Val (NM_016601.2); short protein forms G117V.
Identifiers: ClinVar variation 2230246 (VCV002230246.2), dbSNP rs866165905, ClinGen allele CA372734827.
Genomic context (GRCh38, chr8:139,619,033, plus strand): 5'-CGCACGAAGGTGTTCATGCGCTCGCCCAGGCTCTGGAACATGACCAGTGTCAGCGGGATG[C>A]CCAGCACGGCGTAGAACATGCAGAAGGCCTTGCCCGCATCGGTGCCAGGTGCAGCGTGCC-3'
Protein context (NP_001269463.1, residues 107-127): KAFCMFYAVL[Gly117Val]IPLTLVMFQS

ClinVar aggregate classification (germline): Uncertain significance (1 of 4 stars; one submission).

Conditions:
Inborn genetic diseases. Identifiers: MedGen C0950123, MeSH D030342.

Submission:

Ambry Genetics
Classification: Uncertain significance for Inborn genetic diseases. Last evaluated: 2021-04-19. Review status: criteria provided, single submitter. Criteria: Ambry Variant Classification Scheme 2023. Collection method: clinical testing. Allele origin: germline.
Comment: The c.350G>T (p.G117V) alteration is located in exon 2 (coding exon 2) of the KCNK9 gene. This alteration results from a G to T substitution at nucleotide position 350, causing the glycine (G) at amino acid position 117 to be replaced by a valine (V). Based on data from the Genome Aggregation Database (gnomAD), the KCNK9 c.350G>T alteration was not observed, with coverage at this position. This amino acid position is highly conserved in available vertebrate species. The in silico prediction for the p.G117V alteration is inconclusive. Based on insufficient or conflicting evidence, the clinical significance of this alteration remains unclear.